The following is an entry in ClinVar:

NM_001281503.2(SLITRK1):c.988T>G (p.Ser330Ala)

Gene: SLITRK1 (SLIT and NTRK like family member 1; minus strand). Cytogenetic location: 13q31.1.
Variant type: single nucleotide variant.
Coding change: c.988T>G on transcript NM_001281503.2 (MANE Select); coding-DNA position 988, T replaced by G.
Protein change: p.Ser330Ala; replaces serine 330 with alanine.
Molecular consequence: missense variant.
Genome position (GRCh38, 1-based): chr13:83,880,520, A>C on the plus strand (T>G on the coding strand, the complement: SLITRK1 is on the minus strand). VCF-style: chr13-83880520-A-C. GRCh37 (hg19) VCF-style: chr13-84454655-A-C.
Other names: c.988T>G, p.Ser330Ala (NM_052910.2); short protein forms S330A.
Identifiers: ClinVar variation 720611 (VCV000720611.17), dbSNP rs145628951, ClinGen allele CA7014712.
Genomic context (GRCh38, chr13:83,880,520, plus strand): 5'-TGTGGTCGCAGCTGCAGCCCCCAGGGCAGGGTAAACTGTTAGCTAAGGGTTTGTTCCTGG[A>C]GCTACCCGTCGCTATCGCTGCTGTGGGTCTGATTTTGATCTGCCAGTTGCCTGGGATCTT-3'
Protein context (NP_001268432.1, residues 320-340): RPTAAIATGS[Ser330Ala]RNKPLANSLP

ClinVar aggregate classification (germline): Benign/Likely benign. Review status: criteria provided, multiple submitters, no conflicts (2 of 4 stars). 3 submissions from 3 submitters: Benign (1); Likely benign (2). Last evaluated 2025-05-01.

Conditions:
Tourette syndrome (GTS). Also called: GILLES DE LA TOURETTE SYNDROME. Identifiers: MedGen C0040517, MONDO:0007661, OMIM 137580.

Allele frequency attached by ClinVar (database versions not stated): 1000 Genomes Project 0.00240; ExAC 0.00240; gnomAD exomes 0.00281 and 0.00082; ESP Exome Variant Server 0.00008; gnomAD 0.00078 and 0.00092; TOPMed 0.00125; 1000 Genomes Project 30x 0.00203.

Submissions (3):

CeGaT Center for Human Genetics Tuebingen
Classification: Likely benign. Last evaluated: 2025-05-01. Review status: criteria provided, single submitter. Criteria: CeGaT Center For Human Genetics Tuebingen Variant Classification Criteria Version 2. Collection method: clinical testing. Allele origin: germline. Affected: yes. Observed: 1 variant allele.
Comment: SLITRK1: BP4, BS2

Labcorp Genetics (formerly Invitae), Labcorp
Classification: Benign. Last evaluated: 2018-06-08. Review status: criteria provided, single submitter. Criteria: Invitae Variant Classification Sherloc (09022015). Collection method: clinical testing. Allele origin: germline.

Illumina Laboratory Services, Illumina
Classification: Likely benign for Tourette syndrome. Last evaluated: 2017-04-27. Review status: criteria provided, single submitter. Criteria: ICSL Variant Classification Criteria 13 December 2019. Collection method: clinical testing. Allele origin: germline.
Comment: This variant was observed as part of a predisposition screen in an ostensibly healthy population. A literature search was performed for the gene, cDNA change, and amino acid change (where applicable). Publications were found based on this search. The evidence from the literature, in combination with allele frequency data from public databases where available, was sufficient to determine this variant is unlikely to cause disease. Therefore, this variant is classified as likely benign.

Literature cited by the submitters: PubMed 23990902 (cited by Illumina Laboratory Services, Illumina).